The following is an entry in ClinVar:

ClinVar aggregate classification (germline): Pathogenic (1 of 4 stars; one submission).

Conditions:
Acrocallosal syndrome (ACLS). Also called: HALLUX DUPLICATION, POSTAXIAL POLYDACTYLY, AND ABSENCE OF CORPUS CALLOSUM; Schinzel syndrome 1; Absence of corpus callosum with unusual facial appearance, mental deficiency, duplication of the halluces and polydactyly. Identifiers: Orphanet 36, MedGen C0796147, MONDO:0008708, OMIM 200990.

Allele frequency attached by ClinVar (database versions not stated): TOPMed below 0.00001.

Submission:

Labcorp Genetics (formerly Invitae), Labcorp
Classification: Pathogenic for Acrocallosal syndrome. Last evaluated: 2025-05-29. Review status: criteria provided, single submitter. Criteria: Invitae Variant Classification Sherloc (09022015). Collection method: clinical testing. Allele origin: germline.
Comment: This sequence change creates a premature translational stop signal (p.Val469Profs*13) in the KIF7 gene. It is expected to result in an absent or disrupted protein product. Loss-of-function variants in KIF7 are known to be pathogenic (PMID: 19666503, 21552264, 21633164, 26648833). This variant is present in population databases (no rsID available, gnomAD 0.007%). This variant has not been reported in the literature in individuals affected with KIF7-related conditions. ClinVar contains an entry for this variant (Variation ID: 1426103). Algorithms developed to predict the effect of sequence changes on RNA splicing suggest that this variant may create or strengthen a splice site. For these reasons, this variant has been classified as Pathogenic.

Literature cited by the submitters: PubMed 19666503; PubMed 21552264; PubMed 21633164; PubMed 26648833.

NM_198525.3(KIF7):c.1404_1411del (p.Val469fs)

Gene: KIF7 (kinesin family member 7; minus strand). Cytogenetic location: 15q26.1.
Variant type: Deletion.
Coding change: c.1404_1411del on transcript NM_198525.3 (MANE Select); coding-DNA positions 1404 to 1411, 8 bases deleted (CGTCGAGG; older notation c.1404_1411delCGTCGAGG).
Protein change: p.Val469fs; shifts the reading frame from valine 469.
Molecular consequence: frameshift variant.
Genome position (GRCh38, 1-based): chr15:89,648,287-89,648,294, CCTCGACG deleted on the plus strand (CGTCGAGG on the coding strand, the reverse complement: KIF7 is on the minus strand). VCF-style (leftmost placement, unchanged base first): chr15-89648286-TCCTCGACG-T. GRCh37 (hg19) VCF-style: chr15-90191517-TCCTCGACG-T.
Other names: short protein forms V469fs.
Identifiers: ClinVar variation 1426103 (VCV001426103.6), dbSNP rs1345505035, ClinGen allele CA619525751.